The following is an entry in ClinVar:

NM_014423.4(AFF4):c.2644G>T (p.Ala882Ser)

Gene: AFF4 (ALF transcription elongation factor 4; minus strand). Cytogenetic location: 5q31.1.
Variant type: single nucleotide variant.
Coding change: c.2644G>T on transcript NM_014423.4 (MANE Select); coding-DNA position 2644, G replaced by T.
Protein change: p.Ala882Ser; replaces alanine 882 with serine.
Molecular consequence: missense variant.
Genome position (GRCh38, 1-based): chr5:132,889,167, C>A on the plus strand (G>T on the coding strand, the complement: AFF4 is on the minus strand). VCF-style: chr5-132889167-C-A. GRCh37 (hg19) VCF-style: chr5-132224859-C-A.
Other names: short protein forms A882S.
Identifiers: ClinVar variation 3347245 (VCV003347245.3).

ClinVar aggregate classification (germline): Uncertain significance. Review status: criteria provided, single submitter (1 of 4 stars). 2 submissions from 2 submitters: Uncertain significance (1). 1 of the submissions does not count toward it. Last evaluated 2024-08-29.

Conditions:
Cognitive impairment - coarse facies - heart defects - obesity - pulmonary involvement - short stature - skeletal dysplasia syndrome. Also called: AFF4-Related CHOPS Syndrome; COGNITIVE IMPAIRMENT, COARSE FACIES, HEART DEFECTS, OBESITY, PULMONARY INVOLVEMENT, SHORT STATURE, AND SKELETAL DYSPLASIA; Chops syndrome. Identifiers: Orphanet 444077, MedGen C4085597, MONDO:0014609, OMIM 616368.
AFF4-related disorder. Also called: AFF4-related condition.

gnomAD v4.1: 3 of 1,612,446 alleles (0.00019%); highest among the groups gnomAD compares: Non-Finnish European, 0.00025%; no homozygotes.

Submissions (2):

Labcorp Genetics (formerly Invitae), Labcorp
Classification: Uncertain significance for Cognitive impairment - coarse facies - heart defects - obesity - pulmonary involvement - short stature - skeletal dysplasia syndrome. Last evaluated: 2024-08-29. Review status: criteria provided, single submitter. Criteria: Invitae Variant Classification Sherloc (09022015). Collection method: clinical testing. Allele origin: germline.
Comment: This sequence change replaces alanine, which is neutral and non-polar, with serine, which is neutral and polar, at codon 882 of the AFF4 protein (p.Ala882Ser). This variant is not present in population databases (gnomAD no frequency). This variant has not been reported in the literature in individuals affected with AFF4-related conditions. Invitae Evidence Modeling of protein sequence and biophysical properties (such as structural, functional, and spatial information, amino acid conservation, physicochemical variation, residue mobility, and thermodynamic stability) indicates that this missense variant is not expected to disrupt AFF4 protein function with a negative predictive value of 80%. In summary, the available evidence is currently insufficient to determine the role of this variant in disease. Therefore, it has been classified as a Variant of Uncertain Significance.

PreventionGenetics, part of Exact Sciences
Classification: Uncertain significance for AFF4-related condition. Last evaluated: 2024-06-28. Review status: no assertion criteria provided. Collection method: clinical testing. Allele origin: germline. Not counted in ClinVar's aggregate classification.
Comment: The AFF4 c.2644G>T variant is predicted to result in the amino acid substitution p.Ala882Ser. To our knowledge, this variant has not been reported in the literature or in a large population database, indicating this variant is rare. At this time, the clinical significance of this variant is uncertain due to the absence of conclusive functional and genetic evidence.